The following is an entry in ClinVar:

ClinVar aggregate classification (germline): Likely pathogenic (1 of 4 stars; one submission).

Conditions:
Polycystic kidney disease 4 (PKD4). Also called: POLYCYSTIC KIDNEY DISEASE 4 WITH OR WITHOUT POLYCYSTIC LIVER DISEASE; PKD3; Autosomal Recessive Polycystic Kidney Disease – PKHD1; POLYCYSTIC KIDNEY AND HEPATIC DISEASE 1; POLYCYSTIC KIDNEY DISEASE, INFANTILE, TYPE I. Identifiers: MedGen C4540575, MONDO:0033004, OMIM 263200.

Submission:

Greenwood Genetic Center Diagnostic Laboratories, Greenwood Genetic Center
Classification: Likely pathogenic for Polycystic kidney disease 4. Last evaluated: 2024-09-10. Review status: criteria provided, single submitter. Criteria: ACMG Guidelines, 2015. Collection method: clinical testing. Allele origin: germline. Affected: yes.
Comment: PVS1, PM2

NM_138694.4(PKHD1):c.3052_3098-2744del

Gene: PKHD1 (PKHD1 ciliary IPT domain containing fibrocystin/polyductin; minus strand). Cytogenetic location: 6p12.2.
Variant type: Deletion.
Coding change: c.3052_3098-2744del on transcript NM_138694.4 (MANE Select); coding-DNA position 3052 through 2744 bases into the intron before coding-DNA position 3098, 4,440 bases deleted.
Molecular consequence: splice donor variant.
Genome position (GRCh38, 1-based): chr6:52,038,465-52,042,904, 4,440 bases deleted. GRCh37 (hg19): chr6:51,903,263-51,907,702.
Other names: c.3052_3098-2744del (NM_170724.3).
Identifiers: ClinVar variation 3765641 (VCV003765641.1).